The following is an entry in ClinVar:

NM_001267550.2(TTN):c.61765dup (p.Ser20589fs)

Genes: TTN-AS1 (TTN antisense RNA 1; plus strand), TTN (titin; minus strand). Cytogenetic location: 2q31.2.
Variant type: Duplication.
Coding change: c.61765dup on transcript NM_001267550.2 (MANE Select); coding-DNA position 61765, one base duplicated (T; older notation c.61765dupT).
Protein change: p.Ser20589fs; shifts the reading frame from serine 20589.
Molecular consequence: frameshift variant.
Genome position (GRCh38, 1-based): chr2:178,589,960, A duplicated on the plus strand (T on the coding strand, the reverse complement: TTN is on the minus strand); the first of 3 consecutive A bases (chr2:178,589,960-178,589,962); duplicating any one gives the same sequence. VCF-style (leftmost placement, unchanged base first): chr2-178589959-G-GA. GRCh37 (hg19) VCF-style: chr2-179454686-G-GA.
Other names: c.56842dup, p.Ser18948fs (NM_001256850.1); c.34570dup, p.Ser11524fs (NM_003319.4); c.54061dup, p.Ser18021fs (NM_133378.4); c.34945dup, p.Ser11649fs (NM_133432.3); c.35146dup, p.Ser11716fs (NM_133437.4); short protein forms S18021fs, S11649fs, S11524fs, S18948fs, S20589fs, S11716fs.
Identifiers: ClinVar variation 2949853 (VCV002949853.3), dbSNP rs2469415328, ClinGen allele CA2577170972.

ClinVar aggregate classification (germline): Likely pathogenic (1 of 4 stars; one submission).

Conditions:
Dilated cardiomyopathy 1G (CMD1G). Identifiers: Orphanet 154, MedGen C1858763, MONDO:0011400, OMIM 604145.
Autosomal recessive limb-girdle muscular dystrophy type 2J (LGMDR10). Also called: Limb-girdle muscular dystrophy, type 2J; MUSCULAR DYSTROPHY, LIMB-GIRDLE, AUTOSOMAL RECESSIVE 10. Identifiers: Orphanet 140922, MedGen C1837342, MONDO:0012127, OMIM 608807.

Submission:

Labcorp Genetics (formerly Invitae), Labcorp
Classification: Likely pathogenic for Dilated cardiomyopathy 1G; Autosomal recessive limb-girdle muscular dystrophy type 2J. Last evaluated: 2023-09-28. Review status: criteria provided, single submitter. Criteria: Invitae Variant Classification Sherloc (09022015). Collection method: clinical testing. Allele origin: germline.
Comment: In summary, the currently available evidence indicates that the variant is pathogenic, but additional data are needed to prove that conclusively. Therefore, this variant has been classified as Likely Pathogenic. This variant is located in the A band of TTN (PMID: 25589632). Truncating variants in this region are significantly overrepresented in patients affected with dilated cardiomyopathy (PMID: 25589632). Truncating variants in this region have also been reported in individuals affected with autosomal recessive centronuclear myopathy (PMID: 23975875). This variant has not been reported in the literature in individuals affected with TTN-related conditions. This variant is not present in population databases (gnomAD no frequency). This sequence change creates a premature translational stop signal (p.Ser20589Phefs*8) in the TTN gene. While this is not anticipated to result in nonsense mediated decay, it is expected to create a truncated TTN protein.

Literature cited by the submitters: PubMed 25589632; PubMed 23975875.